The following is an entry in ClinVar:

NM_000102.4(CYP17A1):c.603C>A (p.Tyr201Ter)

Gene: CYP17A1 (cytochrome P450 family 17 subfamily A member 1; minus strand). Cytogenetic location: 10q24.32.
Variant type: single nucleotide variant.
Coding change: c.603C>A on transcript NM_000102.4 (MANE Select); coding-DNA position 603, C replaced by A.
Protein change: p.Tyr201Ter; replaces tyrosine 201 with a stop codon.
Molecular consequence: nonsense.
Genome position (GRCh38, 1-based): chr10:102,834,848, G>T on the plus strand (C>A on the coding strand, the complement: CYP17A1 is on the minus strand). VCF-style: chr10-102834848-G-T. GRCh37 (hg19) VCF-style: chr10-104594605-G-T.
Other names: short protein forms Y201*.
Identifiers: ClinVar variation 1458917 (VCV001458917.6), dbSNP rs1590203882, ClinGen allele CA377939861.

ClinVar aggregate classification (germline): Pathogenic (1 of 4 stars; one submission).

Submission:

Labcorp Genetics (formerly Invitae), Labcorp
Classification: Pathogenic. Last evaluated: 2021-03-01. Review status: criteria provided, single submitter. Criteria: Invitae Variant Classification Sherloc (09022015). Collection method: clinical testing. Allele origin: germline.
Comment: This variant has not been reported in the literature in individuals with CYP17A1-related conditions. This variant is not present in population databases (ExAC no frequency). This sequence change creates a premature translational stop signal (p.Tyr201*) in the CYP17A1 gene. It is expected to result in an absent or disrupted protein product. Loss-of-function variants in CYP17A1 are known to be pathogenic (PMID: 17192295, 20197673, 24140098). For these reasons, this variant has been classified as Pathogenic.

Literature cited by the submitters: PubMed 17192295; PubMed 20197673; PubMed 24140098.